The following is an entry in ClinVar:

ClinVar aggregate classification (germline): Uncertain significance (1 of 4 stars; one submission).

Allele frequency attached by ClinVar (database versions not stated): gnomAD 0.00001; ExAC 0.00002; TOPMed 0.00002.
gnomAD v4.1: 19 of 1,613,886 alleles (0.0012%); highest among the groups gnomAD compares: East Asian, 0.011%; no homozygotes.

Submission:

Labcorp Genetics (formerly Invitae), Labcorp
Classification: Uncertain significance. Last evaluated: 2022-02-28. Review status: criteria provided, single submitter. Criteria: Invitae Variant Classification Sherloc (09022015). Collection method: clinical testing. Allele origin: germline.
Comment: This sequence change replaces alanine, which is neutral and non-polar, with threonine, which is neutral and polar, at codon 150 of the DNASE2 protein (p.Ala150Thr). This variant is present in population databases (rs774019136, gnomAD 0.01%). This variant has not been reported in the literature in individuals affected with DNASE2-related conditions. Algorithms developed to predict the effect of missense changes on protein structure and function are either unavailable or do not agree on the potential impact of this missense change (SIFT: "Deleterious"; PolyPhen-2: "Probably Damaging"; Align-GVGD: "Class C0"). In summary, the available evidence is currently insufficient to determine the role of this variant in disease. Therefore, it has been classified as a Variant of Uncertain Significance.

NM_001375.3(DNASE2):c.448G>A (p.Ala150Thr)

Gene: DNASE2 (deoxyribonuclease 2, lysosomal; minus strand). Cytogenetic location: 19p13.13.
Variant type: single nucleotide variant.
Coding change: c.448G>A on transcript NM_001375.3 (MANE Select); coding-DNA position 448, G replaced by A.
Protein change: p.Ala150Thr; replaces alanine 150 with threonine.
Molecular consequence: missense variant.
Genome position (GRCh38, 1-based): chr19:12,878,733, C>T on the plus strand (G>A on the coding strand, the complement: DNASE2 is on the minus strand). VCF-style: chr19-12878733-C-T. GRCh37 (hg19) VCF-style: chr19-12989547-C-T.
Other names: short protein forms A150T.
Identifiers: ClinVar variation 1907083 (VCV001907083.4), dbSNP rs774019136, ClinGen allele CA9233787.